The following is an entry in ClinVar:

ClinVar aggregate classification (germline): Uncertain significance. Review status: criteria provided, multiple submitters, no conflicts (2 of 4 stars). 3 submissions from 3 submitters: Uncertain significance (2). 1 of the submissions does not count toward it. Last evaluated 2026-07-14.

Conditions:
Bardet-Biedl syndrome (BBS). Identifiers: Orphanet 110, MedGen C0752166, MONDO:0015229.
BBS2-related disorder. Also called: BBS2-related disorders; BBS2-related condition. Identifiers: MedGen CN239228.
Bardet-Biedl syndrome 2 (BBS2). Identifiers: Orphanet 110, MedGen C2936863, MONDO:0014432, OMIM 615981.

Allele frequency attached by ClinVar (database versions not stated): TOPMed below 0.00001; gnomAD exomes 0.00001 and 0.00002; ExAC 0.00002.
gnomAD v4.1: 5 of 1,614,030 alleles (0.00031%); highest among the groups gnomAD compares: Admixed American, 0.005%; no homozygotes.

Submissions (3):

PreventionGenetics, part of Exact Sciences
Classification: Uncertain significance for BBS2-related condition. Last evaluated: 2026-07-14. Review status: criteria provided, single submitter. Criteria: ACMG Guidelines, 2015. Collection method: clinical testing. Allele origin: germline.
Comment: The BBS2 c.691A>G variant is predicted to result in the amino acid substitution p.Lys231Glu. This variant was reported in the compound heterozygous state in an individual with an atrioventricular septum defect (Priest et al 2016. PubMed ID: 27058611); however, no evidence was provided to support causation. This variant is reported in 0.012% of alleles in individuals of Latino descent in gnomAD. At this time, the clinical significance of this variant is uncertain due to the absence of conclusive functional and genetic evidence.

Labcorp Genetics (formerly Invitae), Labcorp
Classification: Uncertain significance for Bardet-Biedl syndrome. Last evaluated: 2022-07-18. Review status: criteria provided, single submitter. Criteria: Invitae Variant Classification Sherloc (09022015). Collection method: clinical testing. Allele origin: germline.
Comment: This sequence change replaces lysine, which is basic and polar, with glutamic acid, which is acidic and polar, at codon 231 of the BBS2 protein (p.Lys231Glu). This variant is present in population databases (rs754487754, gnomAD 0.009%). This missense change has been observed in individual(s) with syndromic congenital heart disease (PMID: 27058611). ClinVar contains an entry for this variant (Variation ID: 550063). Algorithms developed to predict the effect of missense changes on protein structure and function are either unavailable or do not agree on the potential impact of this missense change (SIFT: "Tolerated"; PolyPhen-2: "Possibly Damaging"; Align-GVGD: "Class C0"). In summary, the available evidence is currently insufficient to determine the role of this variant in disease. Therefore, it has been classified as a Variant of Uncertain Significance.

Counsyl
Classification: Uncertain significance for Bardet-Biedl syndrome 2. Last evaluated: 2018-01-13. Review status: no assertion criteria provided. Collection method: clinical testing. Allele origin: unknown. Not counted in ClinVar's aggregate classification.

Literature cited by the submitters: PubMed 27058611 (cited by Labcorp Genetics (formerly Invitae), Labcorp and Counsyl).

NM_031885.5(BBS2):c.691A>G (p.Lys231Glu)

Gene: BBS2 (Bardet-Biedl syndrome 2; minus strand). Cytogenetic location: 16q13.
Variant type: single nucleotide variant.
Coding change: c.691A>G on transcript NM_031885.5 (MANE Select); coding-DNA position 691, A replaced by G.
Protein change: p.Lys231Glu; replaces lysine 231 with glutamic acid.
Molecular consequence: missense variant. On other transcripts: non-coding transcript variant (5).
Genome position (GRCh38, 1-based): chr16:56,506,146, T>C on the plus strand (A>G on the coding strand, the complement: BBS2 is on the minus strand). VCF-style: chr16-56506146-T-C. GRCh37 (hg19) VCF-style: chr16-56540058-T-C.
Other names: c.691A>G, p.Lys231Glu (NM_001377456.1); short protein forms K231E.
Identifiers: ClinVar variation 550063 (VCV000550063.6), dbSNP rs754487754, ClinGen allele CA8065963.